The following is an entry in ClinVar:

ClinVar aggregate classification (germline): Benign/Likely benign. Review status: criteria provided, multiple submitters, no conflicts (2 of 4 stars). 4 submissions from 4 submitters: Benign (3); Likely benign (1). Last evaluated 2026-04-06.

Conditions:
Immunodeficiency due to MASP-2 deficiency. Also called: MASP2 deficiency; LECTIN COMPLEMENT ACTIVATION PATHWAY, DEFECT IN, 2. Identifiers: Orphanet 331187, MedGen C3151085, MONDO:0013423, OMIM 613791.

Allele frequency attached by ClinVar (database versions not stated): gnomAD exomes 0.00061 and 0.00141; ExAC 0.00334; gnomAD 0.00573 and 0.00601; ESP Exome Variant Server 0.00605; 1000 Genomes Project 0.00659; TOPMed 0.00672; 1000 Genomes Project 30x 0.00734.
gnomAD v4.1: 1,778 of 1,549,624 alleles (0.11%); highest among the groups gnomAD compares: African/African-American, 1.9%; 13 homozygotes.

Submissions (4):

Women's Health and Genetics/Laboratory Corporation of America, LabCorp
Classification: Benign. Last evaluated: 2026-04-06. Review status: criteria provided, single submitter. Criteria: LabCorp Variant Classification Summary - May 2015. Collection method: clinical testing. Allele origin: germline.

Blueprint Genetics
Classification: Likely benign. Last evaluated: 2024-11-20. Review status: criteria provided, single submitter. Criteria: ACMG Guidelines, 2015. Collection method: clinical testing. Allele origin: germline.

Illumina Laboratory Services, Illumina
Classification: Benign for Immunodeficiency due to MASP-2 deficiency. Last evaluated: 2018-01-13. Review status: criteria provided, single submitter. Criteria: ICSL Variant Classification Criteria 13 December 2019. Collection method: clinical testing. Allele origin: germline.
Comment: This variant was observed in the ICSL laboratory as part of a predisposition screen in an ostensibly healthy population. It had not been previously curated by ICSL or reported in the Human Gene Mutation Database (HGMD: prior to June 1st, 2018), and was therefore a candidate for classification through an automated scoring system. Utilizing variant allele frequency, disease prevalence and penetrance estimates, and inheritance mode, an automated score was calculated to assess if this variant is too frequent to cause the disease. Based on the score and internal cut-off values, a variant classified as benign is not then subjected to further curation. The score for this variant resulted in a classification of benign for this disease.

Breakthrough Genomics
Classification: Benign. Review status: criteria provided, single submitter. Criteria: ACMG Guidelines, 2015. Collection method: not provided. Allele origin: germline. Inheritance: Autosomal recessive inheritance. Affected: yes.

NM_006610.4(MASP2):c.60G>A (p.Pro20=)

Gene: MASP2 (MBL associated serine protease 2; minus strand). Cytogenetic location: 1p36.22.
Variant type: single nucleotide variant.
Coding change: c.60G>A on transcript NM_006610.4 (MANE Select); coding-DNA position 60, G replaced by A.
Protein change: p.Pro20=; no amino-acid change (proline 20 retained).
Molecular consequence: synonymous variant.
Genome position (GRCh38, 1-based): chr1:11,047,065, C>T on the plus strand (G>A on the coding strand, the complement: MASP2 is on the minus strand). VCF-style: chr1-11047065-C-T. GRCh37 (hg19) VCF-style: chr1-11107122-C-T.
Other names: c.60G>A, p.Pro20= (NM_139208.3).
Identifiers: ClinVar variation 876831 (VCV000876831.7), dbSNP rs61432273, ClinGen allele CA587254.